The following is an entry in ClinVar:

ClinVar aggregate classification (germline): Uncertain significance (1 of 4 stars; one submission).

Submission:

GeneDx
Classification: Uncertain significance. Last evaluated: 2024-10-04. Review status: criteria provided, single submitter. Criteria: GeneDx Variant Classification Process June 2021. Collection method: clinical testing. Allele origin: germline. Affected: yes.
Comment: In-frame deletion of 1 amino acid in a non-repeat region; In silico analysis supports a deleterious effect on protein structure/function; Has not been previously published as pathogenic or benign to our knowledge

NM_000489.6(ATRX):c.5932_5934del (p.Ser1978del)

Gene: ATRX (ATRX chromatin remodeler; minus strand). Cytogenetic location: Xq21.1.
Variant type: Deletion.
Coding change: c.5932_5934del on transcript NM_000489.6 (MANE Select); coding-DNA positions 5932 to 5934, 3 bases deleted (TCT; older notation c.5932_5934delTCT).
Protein change: p.Ser1978del; deletes serine 1978.
Molecular consequence: inframe deletion.
Genome position (GRCh38, 1-based): chrX:77,599,433-77,599,435, AGA deleted on the plus strand (TCT on the coding strand, the reverse complement: ATRX is on the minus strand); deleting any 3 consecutive bases within chrX:77,599,433-77,599,437 gives the same sequence; the c. name uses the placement nearest the transcript's 3' end. VCF-style (leftmost placement, unchanged base first): chrX-77599432-CAGA-C. GRCh37 (hg19) VCF-style: chrX-76854901-CAGA-C.
Other names: c.5818_5820del, p.Ser1940del (NM_138270.5); short protein forms S1940del, S1978del.
Identifiers: ClinVar variation 3776712 (VCV003776712.1).